The following is an entry in ClinVar:

NM_022455.5(NSD1):c.5146+2dup

Gene: NSD1 (nuclear receptor binding SET domain protein 1; plus strand). Cytogenetic location: 5q35.3.
Variant type: Duplication.
Coding change: c.5146+2dup on transcript NM_022455.5 (MANE Select); the canonical splice donor site of the intron after coding-DNA position 5146, one base duplicated (T; older notation c.5146+2dupT).
Molecular consequence: splice donor variant.
Genome position (GRCh38, 1-based): chr5:177,260,170, T duplicated. VCF-style (leftmost placement, unchanged base first): chr5-177260169-G-GT. GRCh37 (hg19) VCF-style: chr5-176687170-G-GT.
Other names: c.5146+2dup (NM_001409301.1, NM_001409302.1, NM_001409303.1); c.4726+2dup (NM_001409304.1); c.4393+2dup (NM_001409305.1); c.4384+2dup (NM_001409306.1, NM_001409307.1); c.4273+2dup (NM_001409308.1, NM_172349.5, NM_001409309.1 and 1 more transcripts); c.5146+2dupT (NM_022455.4).
Identifiers: ClinVar variation 658468 (VCV000658468.6), dbSNP rs1581468671, ClinGen allele CA915942756.

ClinVar aggregate classification (germline): Uncertain significance. Review status: criteria provided, single submitter (1 of 4 stars). 2 submissions from 1 submitter: Uncertain significance (2). Last evaluated 2021-08-31.

Conditions:
Sotos syndrome (SOTOS). Also called: CHROMOSOME 5q35 DELETION SYNDROME; CEREBRAL GIGANTISM; Sotos' syndrome; SOTOS SYNDROME 1; Distinctive facial appearance, overgrowth in childhood, and learning disabilities or delayed development. Identifiers: Orphanet 821, MedGen C0175695, MONDO:0019349, OMIM 117550.
Beckwith-Wiedemann syndrome (BWS). Also called: Exomphalos macroglossia gigantism syndrome; EMG SYNDROME. Identifiers: Orphanet 116, MedGen C0004903, MONDO:0007534, OMIM 130650.

Submissions (2):

Labcorp Genetics (formerly Invitae), Labcorp
Classification: Uncertain significance. Last evaluated: 2021-08-31. Review status: criteria provided, single submitter. Criteria: Invitae Variant Classification Sherloc (09022015). Collection method: clinical testing. Allele origin: germline.

Labcorp Genetics (formerly Invitae), Labcorp
Classification: Uncertain significance for Beckwith-Wiedemann syndrome. Last evaluated: 2018-07-06. Review status: criteria provided, single submitter. Criteria: Invitae Variant Classification Sherloc (09022015). Collection method: clinical testing. Allele origin: germline.
Comment: This sequence change falls in intron 14 of the NSD1 gene. It does not directly change the encoded amino acid sequence of the NSD1 protein, but it affects a nucleotide within the consensus splice site of the intron. This variant is not present in population databases (ExAC no frequency). This variant has not been reported in the literature in individuals with NSD1-related disease. Nucleotide substitutions within the consensus splice site are a relatively common cause of aberrant splicing (PMID: 17576681, 9536098). Algorithms developed to predict the effect of sequence changes on RNA splicing suggest that this variant may disrupt the consensus splice site, but this prediction has not been confirmed by published transcriptional studies. In summary, the available evidence is currently insufficient to determine the role of this variant in disease. Therefore, it has been classified as a Variant of Uncertain Significance.